The following is an entry in ClinVar:

ClinVar aggregate classification (germline): Uncertain significance (1 of 4 stars; one submission).

Allele frequency attached by ClinVar (database versions not stated): TOPMed below 0.00001; gnomAD 0.00001.

Submission:

Labcorp Genetics (formerly Invitae), Labcorp
Classification: Uncertain significance. Last evaluated: 2021-09-03. Review status: criteria provided, single submitter. Criteria: Invitae Variant Classification Sherloc (09022015). Collection method: clinical testing. Allele origin: germline.
Comment: In summary, the available evidence is currently insufficient to determine the role of this variant in disease. Therefore, it has been classified as a Variant of Uncertain Significance. Algorithms developed to predict the effect of missense changes on protein structure and function (SIFT, PolyPhen-2, Align-GVGD) all suggest that this variant is likely to be tolerated. This variant has not been reported in the literature in individuals affected with PCARE-related conditions. This variant is not present in population databases (ExAC no frequency). This sequence change replaces proline with leucine at codon 703 of the PCARE protein (p.Pro703Leu). The proline residue is highly conserved and there is a moderate physicochemical difference between proline and leucine.

NM_001029883.3(PCARE):c.2108C>T (p.Pro703Leu)

Gene: PCARE (photoreceptor cilium actin regulator; minus strand). Cytogenetic location: 2p23.2.
Variant type: single nucleotide variant.
Coding change: c.2108C>T on transcript NM_001029883.3 (MANE Select); coding-DNA position 2108, C replaced by T.
Protein change: p.Pro703Leu; replaces proline 703 with leucine.
Molecular consequence: missense variant.
Genome position (GRCh38, 1-based): chr2:29,072,154, G>A on the plus strand (C>T on the coding strand, the complement: PCARE is on the minus strand). VCF-style: chr2-29072154-G-A. GRCh37 (hg19) VCF-style: chr2-29295020-G-A.
Other names: short protein forms P703L.
Identifiers: ClinVar variation 1442287 (VCV001442287.6), dbSNP rs1182016935, ClinGen allele CA346478219.